The following is an entry in ClinVar:

NM_002335.4(LRP5):c.1061G>A (p.Arg354Lys)

Gene: LRP5 (LDL receptor related protein 5; plus strand). Cytogenetic location: 11q13.2.
Variant type: single nucleotide variant.
Coding change: c.1061G>A on transcript NM_002335.4 (MANE Select); coding-DNA position 1061, G replaced by A.
Protein change: p.Arg354Lys; replaces arginine 354 with lysine.
Molecular consequence: missense variant. On other transcripts: 5 prime UTR variant (1).
Genome position (GRCh38, 1-based): chr11:68,386,361, G>A. VCF-style: chr11-68386361-G-A. GRCh37 (hg19) VCF-style: chr11-68153829-G-A.
Other names: c.-705G>A (NM_001291902.2); short protein forms R354K.
Identifiers: ClinVar variation 1963743 (VCV001963743.5), dbSNP rs757523656, ClinGen allele CA6149235.

ClinVar aggregate classification (germline): Uncertain significance (1 of 4 stars; one submission).

Allele frequency attached by ClinVar (database versions not stated): gnomAD exomes below 0.00001; TOPMed below 0.00001; ExAC 0.00001.
gnomAD v4.1: 3 of 1,613,540 alleles (0.00019%); highest among the groups gnomAD compares: South Asian, 0.0011%; no homozygotes.

Submission:

Labcorp Genetics (formerly Invitae), Labcorp
Classification: Uncertain significance. Last evaluated: 2022-07-01. Review status: criteria provided, single submitter. Criteria: Invitae Variant Classification Sherloc (09022015). Collection method: clinical testing. Allele origin: germline.
Comment: In summary, the available evidence is currently insufficient to determine the role of this variant in disease. Therefore, it has been classified as a Variant of Uncertain Significance. Advanced modeling of protein sequence and biophysical properties (such as structural, functional, and spatial information, amino acid conservation, physicochemical variation, residue mobility, and thermodynamic stability) performed at Invitae indicates that this missense variant is not expected to disrupt LRP5 protein function. This variant has not been reported in the literature in individuals affected with LRP5-related conditions. This variant is present in population databases (rs757523656, gnomAD 0.0009%). This sequence change replaces arginine, which is basic and polar, with lysine, which is basic and polar, at codon 354 of the LRP5 protein (p.Arg354Lys).